The following is an entry in ClinVar:

ClinVar aggregate classification (germline): Uncertain significance (1 of 4 stars; one submission).

Allele frequency attached by ClinVar (database versions not stated): TOPMed below 0.00001.

Submission:

Ambry Genetics
Classification: Uncertain significance. Last evaluated: 2023-05-31. Review status: criteria provided, single submitter. Criteria: Ambry Variant Classification Scheme 2023. Collection method: clinical testing. Allele origin: germline.
Comment: The p.V679I variant (also known as c.2035G>A), located in coding exon 13 of the RINT1 gene, results from a G to A substitution at nucleotide position 2035. The valine at codon 679 is replaced by isoleucine, an amino acid with highly similar properties. This amino acid position is conserved. In addition, this alteration is predicted to be tolerated by in silico analysis. Since supporting evidence is limited at this time, the clinical significance of this alteration remains unclear.

NM_021930.6(RINT1):c.2035G>A (p.Val679Ile)

Genes: EFCAB10 (EF-hand calcium binding domain 10; minus strand), RINT1 (RAD50 interactor 1; plus strand). Cytogenetic location: 7q22.3.
Variant type: single nucleotide variant.
Coding change: c.2035G>A on transcript NM_021930.6 (MANE Select); coding-DNA position 2035, G replaced by A.
Protein change: p.Val679Ile; replaces valine 679 with isoleucine.
Molecular consequence: missense variant. On other transcripts: 3 prime UTR variant (2), nonsense (1), non-coding transcript variant (1).
Genome position (GRCh38, 1-based): chr7:105,565,425, G>A. VCF-style: chr7-105565425-G-A. GRCh37 (hg19) VCF-style: chr7-105205872-G-A.
Other names: c.*22C>T (NM_001355526.2); c.*124C>T (NM_001355530.2); c.382C>T, p.Gln128Ter (NM_001355531.2); c.1801G>A, p.Val601Ile (NM_001346599.2); c.1012G>A, p.Val338Ile (NM_001346600.2, NM_001346603.2); c.1111G>A, p.Val371Ile (NM_001346601.2); short protein forms Q128*, V371I, V679I, V338I, V601I.
Identifiers: ClinVar variation 2563365 (VCV002563365.2), dbSNP rs1202080769, ClinGen allele CA368814947.
Genomic context (GRCh38, chr7:105,565,425, plus strand): 5'-TTACTTCAGTTGGAGCAGCAGCTTTGTTTCTCCTTATTTAAAATTTTCTGGCAAATGCTT[G>A]TAGAGAAGCTGGATGTATACATCTACCAAGAAGTAAGTAAGAATAGACTGTTTTTGGGCT-3'
Protein context (NP_068749.3, residues 669-689): SLFKIFWQML[Val679Ile]EKLDVYIYQE